The following is an entry in ClinVar:

NM_015570.4(AUTS2):c.545G>A (p.Cys182Tyr)

Gene: AUTS2 (activator of transcription and developmental regulator AUTS2; plus strand). Cytogenetic location: 7q11.22.
Variant type: single nucleotide variant.
Coding change: c.545G>A on transcript NM_015570.4 (MANE Select); coding-DNA position 545, G replaced by A.
Protein change: p.Cys182Tyr; replaces cysteine 182 with tyrosine.
Molecular consequence: missense variant.
Genome position (GRCh38, 1-based): chr7:70,118,154, G>A. VCF-style: chr7-70118154-G-A. GRCh37 (hg19) VCF-style: chr7-69583140-G-A.
Other names: c.545G>A, p.Cys182Tyr (NM_001127231.3, NM_001127232.3); short protein forms C182Y.
Identifiers: ClinVar variation 1313424 (VCV001313424.2), dbSNP rs2129572624, ClinGen allele CA367704294.
Genomic context (GRCh38, chr7:70,118,154, plus strand): 5'-CTAACTTTTTCCTTTTTTCTCTTTTCTTTTGCCTTTAGCTCAAGCCAGGACAGAACAGCT[G>A]CAGGGACAGTGACAGTGAAAGTGCCAGTGGAGAATCCAAGGGCTTCCACCGGAGCAGCTC-3'
Protein context (NP_056385.1, residues 172-192): LRQLKPGQNS[Cys182Tyr]RDSDSESASG

ClinVar aggregate classification (germline): Uncertain significance (1 of 4 stars; one submission).

Submission:

GeneDx
Classification: Uncertain significance. Last evaluated: 2020-02-13. Review status: criteria provided, single submitter. Criteria: GeneDx Variant Classification Process June 2021. Collection method: clinical testing. Allele origin: germline. Affected: yes.
Comment: Not observed in large population cohorts (Lek et al., 2016); In silico analysis supports that this missense variant has a deleterious effect on protein structure/function; Has not been previously published as pathogenic or benign to our knowledge